The following is an entry in ClinVar:

ClinVar aggregate classification (germline): Conflicting classifications of pathogenicity. Review status: criteria provided, conflicting classifications (1 of 4 stars). 6 submissions from 6 submitters: Uncertain significance (5); Likely benign (1). Last evaluated 2024-02-25.

Conditions:
Primary dilated cardiomyopathy (DCM). Also called: Dilated Cardiomyopathy. Identifiers: Orphanet 217604, MedGen C0007193, MeSH D002311, MONDO:0005021, HP:0001644. Inheritance: Various modes of inheritance.
Merosin deficient congenital muscular dystrophy (MDC1A). Also called: Congenital merosin-deficient muscular dystrophy 1A; Congenital Muscular Dystrophy Type 1A (MDC1A). Identifiers: Orphanet 258, MedGen C1263858, MONDO:0011925, OMIM 607855.
LAMA2-related muscular dystrophy (LAMA2-RD). Also called: Laminin alpha 2-related dystrophy. Identifiers: MedGen C5679788, MONDO:0100228.

Allele frequency attached by ClinVar (database versions not stated): TOPMed below 0.00001; gnomAD exomes 0.00005; ExAC 0.00016; 1000 Genomes Project 30x 0.00031; 1000 Genomes Project 0.00040.
gnomAD v4.1: 79 of 1,612,154 alleles (0.0049%); highest among the groups gnomAD compares: South Asian, 0.065%; no homozygotes.

Submissions (6):

Labcorp Genetics (formerly Invitae), Labcorp
Classification: Likely benign for LAMA2-related muscular dystrophy. Last evaluated: 2024-02-25. Review status: criteria provided, single submitter. Criteria: Invitae Variant Classification Sherloc (09022015). Collection method: clinical testing. Allele origin: germline.

Neuberg Centre For Genomic Medicine, NCGM
Classification: Uncertain significance for Merosin deficient congenital muscular dystrophy. Last evaluated: 2023-05-20. Review status: criteria provided, single submitter. Criteria: ACMG Guidelines, 2015. Collection method: clinical testing. Allele origin: germline. Inheritance: Autosomal recessive inheritance. Affected: yes.
Comment: The observed missense c.7040G>T(p.Gly2347Val) variant in LAMA2 gene has been reported previously in homozygous or compound heterozygous state in individual(s) affected with limb girdle muscular dystrophy (Wang et al., 2022). This variant is reported with the allele frequency of 0.01% in the gnomAD Exomes. This variant has been reported to the ClinVar database with varying interpretation: Uncertain Significance / Likely Benign. However, no details are available for independent assessment. The amino acid Gly at position 2347 is changed to a Val changing protein sequence and it might alter its composition and physico-chemical properties. The amino acid change p.Gly2347Val in LAMA2 is predicted as conserved by GERP++ and PhyloP across 100 vertebrates. Multiple lines of computational evidence (Polyphen - Damaging, SIFT - Damaging and MutationTaster - Disease causing) predict a damaging effect on protein structure and function for this variant. For these reasons, this variant has been classified as Uncertain Significance.

Revvity Omics, Revvity
Classification: Uncertain significance. Last evaluated: 2023-04-03. Review status: criteria provided, single submitter. Criteria: ACMG Guidelines, 2015. Collection method: clinical testing. Allele origin: germline.

CeGaT Center for Human Genetics Tuebingen
Classification: Uncertain significance. Last evaluated: 2021-07-01. Review status: criteria provided, single submitter. Criteria: CeGaT Center For Human Genetics Tuebingen Variant Classification Criteria Version 2. Collection method: clinical testing. Allele origin: germline. Affected: yes. Observed: 1 variant allele.

Blueprint Genetics
Classification: Uncertain significance. Last evaluated: 2020-10-16. Review status: criteria provided, single submitter. Criteria: ACMG Guidelines, 2015. Collection method: clinical testing. Allele origin: germline.

Genetics and Genomics Program, Sidra Medicine
Classification: Uncertain significance for Primary dilated cardiomyopathy. Review status: criteria provided, single submitter. Criteria: ACMG Guidelines, 2015. Collection method: research. Allele origin: unknown. Affected: yes. Observed: 1 variant allele.

NM_000426.4(LAMA2):c.7040G>T (p.Gly2347Val)

Gene: LAMA2 (laminin subunit alpha 2; plus strand). Cytogenetic location: 6q22.33.
Variant type: single nucleotide variant.
Coding change: c.7040G>T on transcript NM_000426.4 (MANE Select); coding-DNA position 7040, G replaced by T.
Protein change: p.Gly2347Val; replaces glycine 2347 with valine.
Molecular consequence: missense variant.
Genome position (GRCh38, 1-based): chr6:129,464,337, G>T. VCF-style: chr6-129464337-G-T. GRCh37 (hg19) VCF-style: chr6-129785482-G-T.
Other names: c.7040G>T, p.Gly2347Val (NM_001079823.2); short protein forms G2347V.
Identifiers: ClinVar variation 840554 (VCV000840554.48), dbSNP rs529981007, ClinGen allele CA3994424.